The following is an entry in ClinVar:

ClinVar aggregate classification (germline): Likely benign (1 of 4 stars; one submission).

gnomAD v4.1: 63 of 1,507,456 alleles (0.0042%); highest among the groups gnomAD compares: Admixed American, 0.074%; no homozygotes.

Submission:

CeGaT Center for Human Genetics Tuebingen
Classification: Likely benign. Last evaluated: 2024-09-01. Review status: criteria provided, single submitter. Criteria: CeGaT Center For Human Genetics Tuebingen Variant Classification Criteria Version 2. Collection method: clinical testing. Allele origin: germline. Affected: yes. Observed: 1 variant allele.
Comment: MUC20: BP4, BP7

NM_001282506.2(MUC20):c.1170C>T (p.Asp390=)

Gene: MUC20 (mucin 20, cell surface associated). Cytogenetic location: 3q29.
Variant type: single nucleotide variant.
Coding change: c.1170C>T on transcript NM_001282506.2 (MANE Select); coding-DNA position 1170, C replaced by T.
Protein change: p.Asp390=; no amino-acid change (aspartic acid 390 retained).
Molecular consequence: synonymous variant.
Genome position (GRCh38, 1-based): chr3:195,725,773, C>T. VCF-style: chr3-195725773-C-T. GRCh37 (hg19) VCF-style: chr3-195452644-C-T.
Identifiers: ClinVar variation 3388941 (VCV003388941.14).